The following is an entry in ClinVar:

ClinVar aggregate classification (germline): Uncertain significance (1 of 4 stars; one submission).

Allele frequency attached by ClinVar (database versions not stated): gnomAD exomes below 0.00001; TOPMed below 0.00001.
gnomAD v4.1: 3 of 1,613,846 alleles (0.00019%); highest among the groups gnomAD compares: Non-Finnish European, 0.00017%; no homozygotes.

Submission:

Labcorp Genetics (formerly Invitae), Labcorp
Classification: Uncertain significance. Last evaluated: 2024-10-16. Review status: criteria provided, single submitter. Criteria: Invitae Variant Classification Sherloc (09022015). Collection method: clinical testing. Allele origin: germline.
Comment: This sequence change creates a premature translational stop signal (p.Gln3*) in the FUK gene. It is expected to result in an absent or disrupted protein product. However, the current clinical and genetic evidence is not sufficient to establish whether loss-of-function variants in FUK cause disease. This variant is not present in population databases (gnomAD no frequency). This variant has not been reported in the literature in individuals affected with FUK-related conditions. ClinVar contains an entry for this variant (Variation ID: 2087041). In summary, the available evidence is currently insufficient to determine the role of this variant in disease. Therefore, it has been classified as a Variant of Uncertain Significance.

NM_145059.3(FCSK):c.7C>T (p.Gln3Ter)

Gene: FCSK (fucose kinase; plus strand). Cytogenetic location: 16q22.1.
Variant type: single nucleotide variant.
Coding change: c.7C>T on transcript NM_145059.3 (MANE Select); coding-DNA position 7, C replaced by T.
Protein change: p.Gln3Ter; replaces glutamine 3 with a stop codon.
Molecular consequence: nonsense.
Genome position (GRCh38, 1-based): chr16:70,463,197, C>T. VCF-style: chr16-70463197-C-T. GRCh37 (hg19) VCF-style: chr16-70497100-C-T.
Other names: short protein forms Q3*.
Identifiers: ClinVar variation 2087041 (VCV002087041.4), dbSNP rs2048320694, ClinGen allele CA396558198.